The following is an entry in ClinVar:

ClinVar aggregate classification (germline): Conflicting classifications of pathogenicity. Review status: criteria provided, conflicting classifications (1 of 4 stars). 5 submissions from 5 submitters: Uncertain significance (2); Likely benign (2). 1 of the submissions does not count toward it. Last evaluated 2025-12-17.

Conditions:
Hereditary cancer-predisposing syndrome. Also called: Tumor predisposition; Hereditary Cancer Syndrome; Hereditary neoplastic syndrome; Neoplastic Syndromes, Hereditary. Identifiers: Orphanet 140162, MedGen C0027672, MeSH D009386, MONDO:0015356.
Hereditary nonpolyposis colorectal neoplasms. Identifiers: MedGen C0009405, MeSH D003123.
Lynch syndrome 5 (LYNCH5). Also called: Colorectal cancer, hereditary nonpolyposis, type 5; Hereditary non-polyposis colorectal cancer, type 5. Identifiers: Orphanet 144, MedGen C1833477, MONDO:0013710, OMIM 614350. Disease mechanism: loss of function.

Allele frequency attached by ClinVar (database versions not stated): ExAC 0.00001; gnomAD 0.00001; gnomAD exomes 0.00001.
gnomAD v4.1: 14 of 1,612,292 alleles (0.00087%); highest among the groups gnomAD compares: Non-Finnish European, 0.001%; no homozygotes.

Submissions (5):

Labcorp Genetics (formerly Invitae), Labcorp
Classification: Likely benign for Hereditary nonpolyposis colorectal neoplasms. Last evaluated: 2025-12-17. Review status: criteria provided, single submitter. Criteria: Invitae Variant Classification Sherloc (09022015). Collection method: clinical testing. Allele origin: germline.

Myriad Genetics, Inc.
Classification: Uncertain significance for Lynch syndrome 5. Last evaluated: 2023-03-29. Review status: criteria provided, single submitter. Criteria: Myriad Autosomal Dominant, Autosomal Recessive and X-Linked Classification Criteria (2023). Collection method: clinical testing. Allele origin: unknown.
Comment: This variant is classified as a variant of uncertain significance as there is insufficient evidence to determine its impact on protein function and/or cancer risk.

Ambry Genetics
Classification: Likely benign for Hereditary cancer-predisposing syndrome. Last evaluated: 2019-09-19. Review status: criteria provided, single submitter. Criteria: Ambry Variant Classification Scheme 2023. Collection method: clinical testing. Allele origin: germline.

Color Diagnostics, LLC DBA Color Health
Classification: Uncertain significance for Hereditary cancer-predisposing syndrome. Last evaluated: 2018-11-17. Review status: criteria provided, single submitter. Criteria: ACMG Guidelines, 2015. Collection method: clinical testing. Allele origin: germline.

Counsyl
Classification: Likely benign for Lynch syndrome 5. Last evaluated: 2017-03-28. Review status: no assertion criteria provided. Collection method: clinical testing. Allele origin: unknown. Not counted in ClinVar's aggregate classification.

NM_000179.3(MSH6):c.458-17A>G

Gene: MSH6 (mutS homolog 6; plus strand). Cytogenetic location: 2p16.3.
Variant type: single nucleotide variant.
Coding change: c.458-17A>G on transcript NM_000179.3 (MANE Select); 17 bases into the intron before coding-DNA position 458, A replaced by G.
Molecular consequence: intron variant.
Genome position (GRCh38, 1-based): chr2:47,795,877, A>G. VCF-style: chr2-47795877-A-G. GRCh37 (hg19) VCF-style: chr2-48023016-A-G.
Other names: c.-279-2734A>G (NM_001281493.2); c.238-2734A>G (NM_001281492.2); c.-445-17A>G (NM_001281494.2).
Identifiers: ClinVar variation 89530 (VCV000089530.14), dbSNP rs554847828, ClinGen allele CA015619.